The following is an entry in ClinVar:

NM_001853.4(COL9A3):c.1558G>C (p.Ala520Pro)

Genes: COL9A3 (collagen type IX alpha 3 chain; plus strand), LOC126863084 (MED14-independent group 3 enhancer GRCh37_chr20:61467141-61468340; plus strand). Cytogenetic location: 20q13.33.
Variant type: single nucleotide variant.
Coding change: c.1558G>C on transcript NM_001853.4 (MANE Select); coding-DNA position 1558, G replaced by C.
Protein change: p.Ala520Pro; replaces alanine 520 with proline.
Molecular consequence: missense variant.
Genome position (GRCh38, 1-based): chr20:62,836,487, G>C. VCF-style: chr20-62836487-G-C. GRCh37 (hg19) VCF-style: chr20-61467839-G-C.
Other names: short protein forms A520P.
Identifiers: ClinVar variation 2745585 (VCV002745585.3), dbSNP rs201613921, ClinGen allele CA317343383.

ClinVar aggregate classification (germline): Uncertain significance (1 of 4 stars; one submission).

Allele frequency attached by ClinVar (database versions not stated): gnomAD 0.00001; 1000 Genomes Project 0.00020; 1000 Genomes Project 30x 0.00031.
gnomAD v4.1: 1 of 1,613,650 alleles (0.000062%); highest among the groups gnomAD compares: East Asian, 0.0022%; no homozygotes.

Submission:

Labcorp Genetics (formerly Invitae), Labcorp
Classification: Uncertain significance. Last evaluated: 2023-07-20. Review status: criteria provided, single submitter. Criteria: Invitae Variant Classification Sherloc (09022015). Collection method: clinical testing. Allele origin: germline.
Comment: This variant has not been reported in the literature in individuals affected with COL9A3-related conditions. In summary, the available evidence is currently insufficient to determine the role of this variant in disease. Therefore, it has been classified as a Variant of Uncertain Significance. Advanced modeling of protein sequence and biophysical properties (such as structural, functional, and spatial information, amino acid conservation, physicochemical variation, residue mobility, and thermodynamic stability) performed at Invitae indicates that this missense variant is not expected to disrupt COL9A3 protein function. This variant is not present in population databases (gnomAD no frequency). This sequence change replaces alanine, which is neutral and non-polar, with proline, which is neutral and non-polar, at codon 520 of the COL9A3 protein (p.Ala520Pro).